The following is an entry in ClinVar:

ClinVar aggregate classification (germline): Uncertain significance (1 of 4 stars; one submission).

Submission:

Labcorp Genetics (formerly Invitae), Labcorp
Classification: Uncertain significance. Last evaluated: 2025-09-02. Review status: criteria provided, single submitter. Criteria: Invitae Variant Classification Sherloc (09022015). Collection method: clinical testing. Allele origin: germline.
Comment: This sequence change replaces alanine, which is neutral and non-polar, with valine, which is neutral and non-polar, at codon 215 of the PALM protein (p.Ala215Val). This variant is not present in population databases (gnomAD no frequency). This variant has not been reported in the literature in individuals affected with PALM-related conditions. ClinVar contains an entry for this variant (Variation ID: 1507390). An algorithm developed to predict the effect of missense changes on protein structure and function (PolyPhen-2) suggests that this variant is likely to be disruptive. In summary, the available evidence is currently insufficient to determine the role of this variant in disease. Therefore, it has been classified as a Variant of Uncertain Significance.

NM_002579.3(PALM):c.644C>T (p.Ala215Val)

Gene: PALM (paralemmin; plus strand). Cytogenetic location: 19p13.3.
Variant type: single nucleotide variant.
Coding change: c.644C>T on transcript NM_002579.3 (MANE Select); coding-DNA position 644, C replaced by T.
Protein change: p.Ala215Val; replaces alanine 215 with valine.
Molecular consequence: missense variant.
Genome position (GRCh38, 1-based): chr19:746,294, C>T. VCF-style: chr19-746294-C-T. GRCh37 (hg19) VCF-style: chr19-746294-C-T.
Other names: c.512C>T, p.Ala171Val (NM_001040134.2); short protein forms A215V, A171V.
Identifiers: ClinVar variation 1507390 (VCV001507390.6), dbSNP rs2144936465, ClinGen allele CA402889981.